The following is an entry in ClinVar:

NM_006514.4(SCN10A):c.2312C>T (p.Pro771Leu)

Gene: SCN10A (sodium voltage-gated channel alpha subunit 10; minus strand). Cytogenetic location: 3p22.2.
Variant type: single nucleotide variant.
Coding change: c.2312C>T on transcript NM_006514.4 (MANE Select); coding-DNA position 2312, C replaced by T.
Protein change: p.Pro771Leu; replaces proline 771 with leucine.
Molecular consequence: missense variant.
Genome position (GRCh38, 1-based): chr3:38,728,870, G>A on the plus strand (C>T on the coding strand, the complement: SCN10A is on the minus strand). VCF-style: chr3-38728870-G-A. GRCh37 (hg19) VCF-style: chr3-38770361-G-A.
Other names: c.2312C>T, p.Pro771Leu (NM_001293306.2); c.2018C>T, p.Pro673Leu (NM_001293307.2); short protein forms P771L, P673L.
Identifiers: ClinVar variation 463238 (VCV000463238.5), dbSNP rs758157003, ClinGen allele CA352161318.

ClinVar aggregate classification (germline): Uncertain significance (1 of 4 stars; one submission).

Conditions:
Brugada syndrome. Also called: Sudden Unexplained Death Syndrome; Sudden Unexplained Nocturnal Death Syndrome (SUNDS); Sudden unexpected nocturnal death syndrome; Sudden unexplained nocturnal death syndrome. Identifiers: Orphanet 130, MedGen C1142166, MONDO:0015263.

Allele frequency attached by ClinVar (database versions not stated): gnomAD exomes below 0.00001.
gnomAD v4.1: 1 of 1,612,484 alleles (0.000062%); highest among the groups gnomAD compares: Non-Finnish European, 0.000085%; no homozygotes.

Submission:

Labcorp Genetics (formerly Invitae), Labcorp
Classification: Uncertain significance for Brugada syndrome. Last evaluated: 2020-03-16. Review status: criteria provided, single submitter. Criteria: Invitae Variant Classification Sherloc (09022015). Collection method: clinical testing. Allele origin: germline.
Comment: In summary, this variant has uncertain impact on SCN10A function. The available evidence is currently insufficient to determine its role in disease. Therefore, it has been classified as a Variant of Uncertain Significance. Algorithms developed to predict the effect of missense changes on protein structure and function (SIFT, PolyPhen-2, Align-GVGD) all suggest that this variant is likely to be disruptive, but these predictions have not been confirmed by published functional studies and their clinical significance is uncertain. This variant has not been reported in the literature in individuals with a SCN10A-related disease. This variant is not present in population databases (ExAC no frequency). This sequence change replaces proline with leucine at codon 771 of the SCN10A protein (p.Pro771Leu). The proline residue is highly conserved and there is a moderate physicochemical difference between proline and leucine.